The following is an entry in ClinVar:

ClinVar aggregate classification (germline): Uncertain significance. Review status: criteria provided, multiple submitters, no conflicts (2 of 4 stars). 2 submissions from 2 submitters: Uncertain significance (2). Last evaluated 2025-05-23.

Submissions (2):

Ambry Genetics
Classification: Uncertain significance. Last evaluated: 2025-05-23. Review status: criteria provided, single submitter. Criteria: Ambry Variant Classification Scheme 2023. Collection method: clinical testing. Allele origin: germline.
Comment: The p.H71Q variant (also known as c.213C>A), located in coding exon 2 of the SRP72 gene, results from a C to A substitution at nucleotide position 213. The histidine at codon 71 is replaced by glutamine, an amino acid with highly similar properties. This amino acid position is conserved. In addition, this alteration is predicted to be tolerated by in silico analysis. Based on the available evidence, the clinical significance of this variant remains unclear.

Labcorp Genetics (formerly Invitae), Labcorp
Classification: Uncertain significance. Last evaluated: 2024-12-26. Review status: criteria provided, single submitter. Criteria: Invitae Variant Classification Sherloc (09022015). Collection method: clinical testing. Allele origin: germline.
Comment: This sequence change replaces histidine, which is basic and polar, with glutamine, which is neutral and polar, at codon 71 of the SRP72 protein (p.His71Gln). This variant is not present in population databases (gnomAD no frequency). This variant has not been reported in the literature in individuals affected with SRP72-related conditions. Invitae Evidence Modeling of protein sequence and biophysical properties (such as structural, functional, and spatial information, amino acid conservation, physicochemical variation, residue mobility, and thermodynamic stability) indicates that this missense variant is not expected to disrupt SRP72 protein function with a negative predictive value of 80%. In summary, the available evidence is currently insufficient to determine the role of this variant in disease. Therefore, it has been classified as a Variant of Uncertain Significance.

NM_006947.4(SRP72):c.213C>A (p.His71Gln)

Gene: SRP72 (signal recognition particle 72; plus strand). Cytogenetic location: 4q12.
Variant type: single nucleotide variant.
Coding change: c.213C>A on transcript NM_006947.4 (MANE Select); coding-DNA position 213, C replaced by A.
Protein change: p.His71Gln; replaces histidine 71 with glutamine.
Molecular consequence: missense variant. On other transcripts: non-coding transcript variant (1).
Genome position (GRCh38, 1-based): chr4:56,469,756, C>A. VCF-style: chr4-56469756-C-A. GRCh37 (hg19) VCF-style: chr4-57335922-C-A.
Other names: c.213C>A (NM_006947.3); c.213C>A, p.His71Gln (NM_001267722.2); short protein forms H71Q.
Identifiers: ClinVar variation 3648727 (VCV003648727.3).